The following is an entry in ClinVar:

NM_006302.3(MOGS):c.2390G>A (p.Arg797His)

Gene: MOGS (mannosyl-oligosaccharide glucosidase; minus strand). Cytogenetic location: 2p13.1.
Variant type: single nucleotide variant.
Coding change: c.2390G>A on transcript NM_006302.3 (MANE Select); coding-DNA position 2390, G replaced by A.
Protein change: p.Arg797His; replaces arginine 797 with histidine.
Molecular consequence: missense variant.
Genome position (GRCh38, 1-based): chr2:74,461,399, C>T on the plus strand (G>A on the coding strand, the complement: MOGS is on the minus strand). VCF-style: chr2-74461399-C-T. GRCh37 (hg19) VCF-style: chr2-74688526-C-T.
Other names: c.2072G>A, p.Arg691His (NM_001146158.2); short protein forms R691H, R797H.
Identifiers: ClinVar variation 970153 (VCV000970153.9), dbSNP rs763518275, ClinGen allele CA1724589.

ClinVar aggregate classification (germline): Uncertain significance (1 of 4 stars; one submission).

Conditions:
MOGS-congenital disorder of glycosylation. Also called: CDG IIb; GLUCOSIDASE I DEFICIENCY; MOGS-CDG; CDG 2B. Identifiers: Orphanet 79330, MedGen C1853736, MONDO:0011629, OMIM 606056.

Allele frequency attached by ClinVar (database versions not stated): ExAC 0.00001; gnomAD 0.00001; gnomAD exomes 0.00002; TOPMed 0.00003.
gnomAD v4.1: 23 of 1,614,076 alleles (0.0014%); highest among the groups gnomAD compares: South Asian, 0.0044%; no homozygotes.

Submission:

Labcorp Genetics (formerly Invitae), Labcorp
Classification: Uncertain significance for MOGS-congenital disorder of glycosylation. Last evaluated: 2025-05-12. Review status: criteria provided, single submitter. Criteria: Invitae Variant Classification Sherloc (09022015). Collection method: clinical testing. Allele origin: germline.
Comment: This sequence change replaces arginine, which is basic and polar, with histidine, which is basic and polar, at codon 797 of the MOGS protein (p.Arg797His). This variant is present in population databases (rs763518275, gnomAD 0.006%). This variant has not been reported in the literature in individuals affected with MOGS-related conditions. ClinVar contains an entry for this variant (Variation ID: 970153). Invitae Evidence Modeling of protein sequence and biophysical properties (such as structural, functional, and spatial information, amino acid conservation, physicochemical variation, residue mobility, and thermodynamic stability) indicates that this missense variant is not expected to disrupt MOGS protein function with a negative predictive value of 80%. In summary, the available evidence is currently insufficient to determine the role of this variant in disease. Therefore, it has been classified as a Variant of Uncertain Significance.